The following is an entry in ClinVar:

NM_000069.3(CACNA1S):c.3953+2C>G

Gene: CACNA1S (calcium voltage-gated channel subunit alpha1 S; minus strand). Cytogenetic location: 1q32.1.
Variant type: single nucleotide variant.
Coding change: c.3953+2C>G on transcript NM_000069.3 (MANE Select); the canonical splice donor site of the intron after coding-DNA position 3953, C replaced by G.
Molecular consequence: splice donor variant.
Genome position (GRCh38, 1-based): chr1:201,052,555, G>C on the plus strand (C>G on the coding strand, the complement: CACNA1S is on the minus strand). VCF-style: chr1-201052555-G-C. GRCh37 (hg19) VCF-style: chr1-201021683-G-C.
Identifiers: ClinVar variation 1697297 (VCV001697297.1), dbSNP rs2102560621, ClinGen allele CA344152133.

ClinVar aggregate classification (germline): Likely pathogenic (1 of 4 stars; one submission).

Conditions:
Malignant hyperthermia, susceptibility to, 5 (MHS5). Also called: CACNA1S-Related Malignant Hyperthermia Susceptibility. Identifiers: Orphanet 423, MedGen C1866077, MONDO:0011163, OMIM 601887.

Submission:

Institute of Human Genetics, University of Leipzig Medical Center
Classification: Likely pathogenic for Malignant hyperthermia, susceptibility to, 5. Last evaluated: 2022-06-24. Review status: criteria provided, single submitter. Criteria: ACMG Guidelines, 2015. Collection method: clinical testing. Allele origin: unknown.
Comment: _x000D_ Criteria applied: PVS1, PM2_SUP